The following is an entry in ClinVar:

ClinVar aggregate classification (germline): Uncertain significance. Review status: criteria provided, multiple submitters, no conflicts (2 of 4 stars). 2 submissions from 2 submitters: Uncertain significance (2). Last evaluated 2026-10-07.

Allele frequency attached by ClinVar (database versions not stated): gnomAD exomes below 0.00001.
gnomAD v4.1: 2 of 1,211,750 alleles (0.00017%); highest among the groups gnomAD compares: Non-Finnish European, 0.00011%; no homozygotes.

Submissions (3):

GeneDx
Classification: Uncertain significance. Last evaluated: 2026-10-07. Review status: criteria provided, single submitter. Criteria: GeneDx Variant Classification Process June 2021. Collection method: clinical testing. Allele origin: germline.
Comment: Not observed at significant frequency in large population cohorts (gnomAD); In silico analysis supports that this missense variant does not alter protein structure/function; Has not been previously published as pathogenic or benign to our knowledge

Labcorp Genetics (formerly Invitae), Labcorp
Classification: Uncertain significance. Last evaluated: 2021-05-06. Review status: criteria provided, single submitter. Criteria: Invitae Variant Classification Sherloc (09022015). Collection method: clinical testing. Allele origin: germline.
Comment: This sequence change replaces glycine with cysteine at codon 1397 of the NEXMIF protein (p.Gly1397Cys). The glycine residue is moderately conserved and there is a large physicochemical difference between glycine and cysteine. In summary, the available evidence is currently insufficient to determine the role of this variant in disease. Therefore, it has been classified as a Variant of Uncertain Significance. Algorithms developed to predict the effect of sequence changes on RNA splicing suggest that this variant may create or strengthen a splice site, but this prediction has not been confirmed by published transcriptional studies. Algorithms developed to predict the effect of missense changes on protein structure and function are either unavailable or do not agree on the potential impact of this missense change (SIFT: "Deleterious"; PolyPhen-2: "Probably Damaging"; Align-GVGD: "Class C15"). This variant has not been reported in the literature in individuals with NEXMIF-related conditions. ClinVar contains an entry for this variant (Variation ID: 1037629). This variant is not present in population databases (ExAC no frequency).

Dr. Peter K. Rogan Lab, Western University
No classification provided (evidence only). Condition: Thyroid cancer, nonmedullary, 1. Review status: no classification provided. Collection method: in vitro. Allele origin: not applicable. Functional consequence: retained intron. Not counted in ClinVar's aggregate classification.

NM_001008537.3(NEXMIF):c.4189G>T (p.Gly1397Cys)

Gene: NEXMIF (neurite extension and migration factor; minus strand). Cytogenetic location: Xq13.3.
Variant type: single nucleotide variant.
Coding change: c.4189G>T on transcript NM_001008537.3 (MANE Select); coding-DNA position 4189, G replaced by T.
Protein change: p.Gly1397Cys; replaces glycine 1397 with cysteine.
Molecular consequence: missense variant.
Genome position (GRCh38, 1-based): chrX:74,740,368, C>A on the plus strand (G>T on the coding strand, the complement: NEXMIF is on the minus strand). VCF-style: chrX-74740368-C-A. GRCh37 (hg19) VCF-style: chrX-73960203-C-A.
Other names: short protein forms G1397C.
Identifiers: ClinVar variation 1037629 (VCV001037629.12), dbSNP rs2080098214, ClinGen allele CA413663828.